The following is an entry in ClinVar:

ClinVar aggregate classification (germline): Uncertain significance (1 of 4 stars; one submission).

Conditions:
Combined immunodeficiency due to DOCK8 deficiency (HIES2). Also called: DOCK8 Deficiency; HIES autosomal recessive; Hyper-IgE recurrent infection syndrome, autosomal recessive; HYPER-IgE RECURRENT INFECTION SYNDROME 2, AUTOSOMAL RECESSIVE; HYPER-IgE SYNDROME 2, AUTOSOMAL RECESSIVE, WITH RECURRENT INFECTIONS. Identifiers: Orphanet 217390, MedGen C4722305, MONDO:0009478, OMIM 243700.

Submission:

Labcorp Genetics (formerly Invitae), Labcorp
Classification: Uncertain significance for Hyper-Immunoglobulin E Syndrome, Autosomal Recessive. Last evaluated: 2019-03-16. Review status: criteria provided, single submitter. Criteria: Invitae Variant Classification Sherloc (09022015). Collection method: clinical testing. Allele origin: germline.
Comment: This variant results in a copy number gain of the genomic region encompassing exons 1-26 of the DOCK8 gene. The 5' end of this event is unknown as it extends beyond the assayed region for this gene and therefore may encompass additional genes. The 3' boundary is likely confined to intron 26 of the DOCK8 gene. As the precise location of this event is unknown, it may be in tandem or it may be located elsewhere in the genome. This variant has not been reported in the literature in individuals with DOCK8-related conditions. Experimental studies and prediction algorithms are not available for this variant, and the functional significance of the affected amino acid(s) is currently unknown. In summary, the available evidence is currently insufficient to determine the role of this variant in disease. Therefore, it has been classified as a Variant of Uncertain Significance.

NC_000009.12:g.(?_214957)_(399279_?)dup

Genes: DOCK8 (dedicator of cytokinesis 8; plus strand), DOCK8-AS1 (DOCK8 antisense RNA 1; minus strand). Cytogenetic location: 9p24.3.
Variant type: Duplication.
Identifiers: ClinVar variation 830911 (VCV000830911.1).